The following is an entry in ClinVar:

NM_001382.4(DPAGT1):c.868C>G (p.Leu290Val)

Gene: DPAGT1 (dolichyl-phosphate N-acetylglucosaminephosphotransferase 1; minus strand). Cytogenetic location: 11q23.3.
Variant type: single nucleotide variant.
Coding change: c.868C>G on transcript NM_001382.4 (MANE Select); coding-DNA position 868, C replaced by G.
Protein change: p.Leu290Val; replaces leucine 290 with valine.
Molecular consequence: missense variant.
Genome position (GRCh38, 1-based): chr11:119,097,904, G>C on the plus strand (C>G on the coding strand, the complement: DPAGT1 is on the minus strand). VCF-style: chr11-119097904-G-C. GRCh37 (hg19) VCF-style: chr11-118968614-G-C.
Other names: short protein forms L290V.
Identifiers: ClinVar variation 651456 (VCV000651456.9), dbSNP rs376322200, ClinGen allele CA6314520.

ClinVar aggregate classification (germline): Uncertain significance. Review status: criteria provided, multiple submitters, no conflicts (2 of 4 stars). 3 submissions from 3 submitters: Uncertain significance (3). Last evaluated 2024-12-07.

Conditions:
Inborn genetic diseases. Identifiers: MedGen C0950123, MeSH D030342.
DPAGT1-congenital disorder of glycosylation. Also called: CONGENITAL DISORDER OF GLYCOSYLATION, TYPE Ij; CDG Ij; DPAGT1-CDG. Identifiers: Orphanet 86309, MedGen C2931004, MONDO:0011964, OMIM 608093.
Congenital myasthenic syndrome 13 (CMS13). Also called: Myasthenic syndrome, congenital, with tubular aggregates 2; Myasthenic syndrome, congenital, 13, with tubular aggregates. Identifiers: Orphanet 353327, Orphanet 590, MedGen C3553645, MONDO:0013883, OMIM 614750.

Allele frequency attached by ClinVar (database versions not stated): gnomAD exomes below 0.00001 and 0.00002; gnomAD 0.00001; TOPMed 0.00001; ExAC 0.00002; ESP Exome Variant Server 0.00015.

Submissions (4):

Ambry Genetics
Classification: Uncertain significance for Inborn genetic diseases. Last evaluated: 2024-12-07. Review status: criteria provided, single submitter. Criteria: Ambry Variant Classification Scheme 2023. Collection method: clinical testing. Allele origin: germline.

Labcorp Genetics (formerly Invitae), Labcorp
Classification: Uncertain significance for Congenital myasthenic syndrome 13; DPAGT1-congenital disorder of glycosylation. Last evaluated: 2022-03-21. Review status: criteria provided, single submitter. Criteria: Invitae Variant Classification Sherloc (09022015). Collection method: clinical testing. Allele origin: germline.
Comment: This sequence change replaces leucine, which is neutral and non-polar, with valine, which is neutral and non-polar, at codon 290 of the DPAGT1 protein (p.Leu290Val). This variant is present in population databases (rs376322200, gnomAD 0.002%). This variant has not been reported in the literature in individuals affected with DPAGT1-related conditions. ClinVar contains an entry for this variant (Variation ID: 651456). Algorithms developed to predict the effect of missense changes on protein structure and function (SIFT, PolyPhen-2, Align-GVGD) all suggest that this variant is likely to be tolerated. Algorithms developed to predict the effect of sequence changes on RNA splicing suggest that this variant may create or strengthen a splice site. In summary, the available evidence is currently insufficient to determine the role of this variant in disease. Therefore, it has been classified as a Variant of Uncertain Significance.

Athena Diagnostics
Classification: Uncertain significance. Last evaluated: 2018-12-31. Review status: criteria provided, single submitter. Criteria: Athena Diagnostics Criteria. Collection method: clinical testing. Allele origin: germline.

Dr. Peter K. Rogan Lab, Western University
No classification provided (evidence only). Condition: Clear cell carcinoma of kidney. Review status: no classification provided. Collection method: in vitro. Allele origin: not applicable. Functional consequence: retained intron. Not counted in ClinVar's aggregate classification.